The following is an entry in ClinVar:

ClinVar aggregate classification (germline): Uncertain significance (1 of 4 stars; one submission).

gnomAD v4.1: 6 of 1,613,604 alleles (0.00037%); highest among the groups gnomAD compares: Admixed American, 0.0017%; no homozygotes.

Submission:

Labcorp Genetics (formerly Invitae), Labcorp
Classification: Uncertain significance. Last evaluated: 2022-05-11. Review status: criteria provided, single submitter. Criteria: Invitae Variant Classification Sherloc (09022015). Collection method: clinical testing. Allele origin: germline.
Comment: Algorithms developed to predict the effect of missense changes on protein structure and function are either unavailable or do not agree on the potential impact of this missense change (SIFT: "Deleterious"; PolyPhen-2: "Probably Damaging"; Align-GVGD: "Class C0"). In summary, the available evidence is currently insufficient to determine the role of this variant in disease. Therefore, it has been classified as a Variant of Uncertain Significance. This variant has not been reported in the literature in individuals affected with CNTNAP1-related conditions. This variant is present in population databases (no rsID available, gnomAD 0.003%). This sequence change replaces tyrosine, which is neutral and polar, with cysteine, which is neutral and slightly polar, at codon 185 of the CNTNAP1 protein (p.Tyr185Cys).

NM_003632.3(CNTNAP1):c.554A>G (p.Tyr185Cys)

Gene: CNTNAP1 (contactin associated protein 1; plus strand). Cytogenetic location: 17q21.2.
Variant type: single nucleotide variant.
Coding change: c.554A>G on transcript NM_003632.3 (MANE Select); coding-DNA position 554, A replaced by G.
Protein change: p.Tyr185Cys; replaces tyrosine 185 with cysteine.
Molecular consequence: missense variant.
Genome position (GRCh38, 1-based): chr17:42,685,259, A>G. VCF-style: chr17-42685259-A-G. GRCh37 (hg19) VCF-style: chr17-40837277-A-G.
Other names: short protein forms Y185C.
Identifiers: ClinVar variation 1986236 (VCV001986236.4), dbSNP rs1448878479, ClinGen allele CA399633861.